The following is an entry in ClinVar:

ClinVar aggregate classification (germline): Uncertain significance (1 of 4 stars; one submission).

Allele frequency attached by ClinVar (database versions not stated): gnomAD exomes 0.00001; ExAC 0.00002; gnomAD 0.00002 and 0.00003; TOPMed 0.00003.
gnomAD v4.1: 10 of 1,610,280 alleles (0.00062%); highest among the groups gnomAD compares: African/African-American, 0.013%; no homozygotes.

Submission:

Labcorp Genetics (formerly Invitae), Labcorp
Classification: Uncertain significance. Last evaluated: 2024-02-23. Review status: criteria provided, single submitter. Criteria: Invitae Variant Classification Sherloc (09022015). Collection method: clinical testing. Allele origin: germline.
Comment: This sequence change falls in intron 3 of the PDE6C gene. It does not directly change the encoded amino acid sequence of the PDE6C protein. It affects a nucleotide within the consensus splice site. This variant is present in population databases (rs754160117, gnomAD 0.01%). This variant has not been reported in the literature in individuals affected with PDE6C-related conditions. ClinVar contains an entry for this variant (Variation ID: 1002283). Variants that disrupt the consensus splice site are a relatively common cause of aberrant splicing (PMID: 17576681, 9536098). Algorithms developed to predict the effect of sequence changes on RNA splicing suggest that this variant is not likely to affect RNA splicing. In summary, the available evidence is currently insufficient to determine the role of this variant in disease. Therefore, it has been classified as a Variant of Uncertain Significance.

Literature cited by the submitters: PubMed 17576681; PubMed 9536098.

NM_006204.4(PDE6C):c.723+5A>C

Gene: PDE6C (phosphodiesterase 6C; plus strand). Cytogenetic location: 10q23.33.
Variant type: single nucleotide variant.
Coding change: c.723+5A>C on transcript NM_006204.4 (MANE Select); 5 bases into the intron after coding-DNA position 723, A replaced by C.
Molecular consequence: intron variant.
Genome position (GRCh38, 1-based): chr10:93,620,985, A>C. VCF-style: chr10-93620985-A-C. GRCh37 (hg19) VCF-style: chr10-95380742-A-C.
Identifiers: ClinVar variation 1002283 (VCV001002283.6), dbSNP rs754160117, ClinGen allele CA5609917.